The following is an entry in ClinVar:

ClinVar aggregate classification (germline): Uncertain significance. Review status: criteria provided, multiple submitters, no conflicts (2 of 4 stars). 2 submissions from 2 submitters: Uncertain significance (2). Last evaluated 2024-02-29.

Conditions:
Ataxia-telangiectasia-like disorder (ATLD). Identifiers: MedGen C1858391, MONDO:0011457.
Hereditary cancer-predisposing syndrome. Also called: Neoplastic Syndromes, Hereditary; Hereditary Cancer Syndrome; Tumor predisposition; Hereditary neoplastic syndrome. Identifiers: Orphanet 140162, MedGen C0027672, MeSH D009386, MONDO:0015356.

Allele frequency attached by ClinVar (database versions not stated): gnomAD exomes below 0.00001; ExAC 0.00001; ESP Exome Variant Server 0.00008.

Submissions (2):

Ambry Genetics
Classification: Uncertain significance for Hereditary cancer-predisposing syndrome. Last evaluated: 2024-02-29. Review status: criteria provided, single submitter. Criteria: Ambry Variant Classification Scheme 2023. Collection method: clinical testing. Allele origin: germline.
Comment: The p.R530K variant (also known as c.1589G>A), located in coding exon 14 of the MRE11A gene, results from a G to A substitution at nucleotide position 1589. The arginine at codon 530 is replaced by lysine, an amino acid with highly similar properties. This amino acid position is conserved. In addition, this alteration is predicted to be tolerated by in silico analysis. Based on the available evidence, the clinical significance of this alteration remains unclear.

Labcorp Genetics (formerly Invitae), Labcorp
Classification: Uncertain significance for Ataxia-telangiectasia-like disorder. Last evaluated: 2020-06-09. Review status: criteria provided, single submitter. Criteria: Invitae Variant Classification Sherloc (09022015). Collection method: clinical testing. Allele origin: germline.
Comment: In summary, the available evidence is currently insufficient to determine the role of this variant in disease. Therefore, it has been classified as a Variant of Uncertain Significance. Algorithms developed to predict the effect of missense changes on protein structure and function are either unavailable or do not agree on the potential impact of this missense change (SIFT: "Tolerated"; PolyPhen-2: "Probably Damaging"; Align-GVGD: "Class C0"). This variant has not been reported in the literature in individuals with MRE11-related conditions. This variant is present in population databases (rs151329524, ExAC 0.001%). This sequence change replaces arginine with lysine at codon 530 of the MRE11 protein (p.Arg530Lys). The arginine residue is highly conserved and there is a small physicochemical difference between arginine and lysine.

NM_005591.4(MRE11):c.1589G>A (p.Arg530Lys)

Gene: MRE11 (MRE11 double strand break repair nuclease; minus strand). Cytogenetic location: 11q21.
Variant type: single nucleotide variant.
Coding change: c.1589G>A on transcript NM_005591.4 (MANE Select); coding-DNA position 1589, G replaced by A.
Protein change: p.Arg530Lys; replaces arginine 530 with lysine.
Molecular consequence: missense variant.
Genome position (GRCh38, 1-based): chr11:94,447,413, C>T on the plus strand (G>A on the coding strand, the complement: MRE11 is on the minus strand). VCF-style: chr11-94447413-C-T. GRCh37 (hg19) VCF-style: chr11-94180579-C-T.
Other names: c.1589G>A (NM_005591.3); c.1589G>A, p.Arg530Lys (NM_001330347.2, NM_005590.4); short protein forms R530K.
Identifiers: ClinVar variation 1036745 (VCV001036745.9), dbSNP rs151329524, ClinGen allele CA6235021.